The following is an entry in ClinVar:

NM_001267550.2(TTN):c.30088C>T (p.Pro10030Ser)

Gene: TTN (titin; minus strand). Cytogenetic location: 2q31.2.
Variant type: single nucleotide variant.
Coding change: c.30088C>T on transcript NM_001267550.2 (MANE Select); coding-DNA position 30088, C replaced by T.
Protein change: p.Pro10030Ser; replaces proline 10030 with serine.
Molecular consequence: missense variant. On other transcripts: intron variant (3).
Genome position (GRCh38, 1-based): chr2:178,704,282, G>A on the plus strand (C>T on the coding strand, the complement: TTN is on the minus strand). VCF-style: chr2-178704282-G-A. GRCh37 (hg19) VCF-style: chr2-179569009-G-A.
Other names: c.26356C>T, p.Pro8786Ser (NM_133378.4); c.29137C>T, p.Pro9713Ser (NM_001256850.1); c.13282+33800C>T (NM_003319.4); c.13858+33800C>T (NM_133437.4); c.13657+33800C>T (NM_133432.3); short protein forms P10030S, P8786S, P9713S.
Identifiers: ClinVar variation 229413 (VCV000229413.10), dbSNP rs368531555, ClinGen allele CA1999241.

ClinVar aggregate classification (germline): Conflicting classifications of pathogenicity. Review status: criteria provided, conflicting classifications (1 of 4 stars). 2 submissions from 2 submitters: Uncertain significance (1); Likely benign (1). Last evaluated 2019-04-24.

Allele frequency attached by ClinVar (database versions not stated): ExAC 0.00002; gnomAD exomes 0.00002; TOPMed 0.00002; gnomAD 0.00003 and 0.00004; ESP Exome Variant Server 0.00008.
gnomAD v4.1: 63 of 1,613,846 alleles (0.0039%); highest among the groups gnomAD compares: African/African-American, 0.0067%; no homozygotes.

Submissions (2):

Laboratory for Molecular Medicine, Mass General Brigham Personalized Medicine
Classification: Likely benign. Last evaluated: 2019-04-24. Review status: criteria provided, single submitter. Criteria: LMM Criteria. Collection method: clinical testing. Allele origin: germline. Observed: 1 variant allele.
Comment: proposed classification - variant undergoing re-assessment, contact laboratory

Eurofins Ntd Llc (ga)
Classification: Uncertain significance. Last evaluated: 2017-12-12. Review status: criteria provided, single submitter. Criteria: EGL Classification Definitions 2015. Collection method: clinical testing. Allele origin: germline. Observed: 1 variant allele, 1 heterozygote.